The following is an entry in ClinVar:

ClinVar aggregate classification (germline): Pathogenic (1 of 4 stars; one submission).

Conditions:
Idiopathic Pulmonary Fibrosis. Also called: Idiopathic fibrosing alveolitis, chronic form; idiopathic fibrosing alveolitis. Identifiers: Orphanet 2032, MedGen C1800706, MeSH D054990, MONDO:0800504.
Dyskeratosis congenita, autosomal dominant 2. Identifiers: MedGen C3151443, MONDO:0013521, OMIM 613989.

Submission:

Labcorp Genetics (formerly Invitae), Labcorp
Classification: Pathogenic for Dyskeratosis congenita, autosomal dominant 2; Idiopathic Pulmonary Fibrosis. Last evaluated: 2022-12-21. Review status: criteria provided, single submitter. Criteria: Invitae Variant Classification Sherloc (09022015). Collection method: clinical testing. Allele origin: germline.
Comment: For these reasons, this variant has been classified as Pathogenic. This variant has not been reported in the literature in individuals affected with TERT-related conditions. This variant is a gross deletion of the genomic region encompassing exon(s) 1-10 of the TERT gene, which includes the initiator codon. This deletion extends beyond the assayed region for this gene and therefore may encompass additional genes. It is expected to result in an absent or disrupted protein product. Loss-of-function variants in TERT are known to be pathogenic (PMID: 16247010, 17460043).

Literature cited by the submitters: PubMed 16247010; PubMed 17460043.

NC_000005.9:g.(?_1266569)_(1297488_?)del

Gene: TERT (telomerase reverse transcriptase; minus strand). Cytogenetic location: 5p15.33.
Variant type: Deletion.
Identifiers: ClinVar variation 2427640 (VCV002427640.5).